The following is an entry in ClinVar:

ClinVar aggregate classification (germline): Uncertain significance (1 of 4 stars; one submission).

Submission:

GeneDx
Classification: Uncertain significance. Last evaluated: 2024-09-13. Review status: criteria provided, single submitter. Criteria: GeneDx Variant Classification Process June 2021. Collection method: clinical testing. Allele origin: germline. Affected: yes.
Comment: Not observed at significant frequency in large population cohorts (gnomAD); Has not been previously published as pathogenic or benign to our knowledge; Frameshift variant predicted to result in protein truncation or nonsense mediated decay in a gene for which loss of function is a known mechanism of disease

NM_174936.4(PCSK9):c.631del (p.Glu211fs)

Gene: PCSK9 (proprotein convertase subtilisin/kexin type 9; plus strand). Cytogenetic location: 1p32.3.
Variant type: Deletion.
Coding change: c.631del on transcript NM_174936.4 (MANE Select); coding-DNA position 631, one base deleted (G; older notation c.631delG).
Protein change: p.Glu211fs; shifts the reading frame from glutamic acid 211.
Molecular consequence: frameshift variant. On other transcripts: non-coding transcript variant (8).
Genome position (GRCh38, 1-based): chr1:55,052,385, G deleted; the last of 2 consecutive G bases (chr1:55,052,384-55,052,385); deleting either gives the same sequence. VCF-style (leftmost placement, unchanged base first): chr1-55052383-AG-A. GRCh37 (hg19) VCF-style: chr1-55518056-AG-A.
Other names: c.754del, p.Glu252fs (NM_001407240.1); c.631del, p.Glu211fs (NM_001407241.1, NM_001407242.1, NM_001407244.1 and 1 more transcripts); c.574del, p.Glu192fs (NM_001407243.1); c.439del, p.Glu147fs (NM_001407245.1); c.256del, p.Glu86fs (NM_001407246.1); c.631delG, p.Glu211Argfs (NM_174936.3); short protein forms E147fs, E192fs, E211fs, E252fs, E86fs.
Identifiers: ClinVar variation 3770045 (VCV003770045.1).